The following is an entry in ClinVar:

NM_004453.4(ETFDH):c.1762C>T (p.His588Tyr)

Gene: ETFDH (electron transfer flavoprotein dehydrogenase; plus strand). Cytogenetic location: 4q32.1.
Variant type: single nucleotide variant.
Coding change: c.1762C>T on transcript NM_004453.4 (MANE Select); coding-DNA position 1762, C replaced by T.
Protein change: p.His588Tyr; replaces histidine 588 with tyrosine.
Molecular consequence: missense variant.
Genome position (GRCh38, 1-based): chr4:158,708,435, C>T. VCF-style: chr4-158708435-C-T. GRCh37 (hg19) VCF-style: chr4-159629587-C-T.
Other names: c.1621C>T, p.His541Tyr (NM_001281737.2); c.1579C>T, p.His527Tyr (NM_001281738.1); short protein forms H527Y, H588Y, H541Y.
Identifiers: ClinVar variation 1491828 (VCV001491828.6), dbSNP rs1225042876, ClinGen allele CA358566641.
Genomic context (GRCh38, chr4:158,708,435, plus strand): 5'-TTTGTACCTGTGGAACAAGGTGATGGATTTCGGTTACAGATAAATGCTCAGAACTGTGTA[C>T]ATTGTAAAACATGTGATATTAAAGATCCAAGTCAGAATATTAACTGGGTGGTACCTGAAG-3'
Protein context (NP_004444.2, residues 578-598): RLQINAQNCV[His588Tyr]CKTCDIKDPS

ClinVar aggregate classification (germline): Likely pathogenic (1 of 4 stars; one submission).

Conditions:
Multiple acyl-CoA dehydrogenase deficiency (MADD). Also called: Glutaric acidemia type II; GA 2; Glutaric aciduria, type 2; ETHYLMALONIC-ADIPICACIDURIA; GA II; Glutaric Acidemia type 2. Identifiers: Orphanet 26791, MedGen C0268596, MONDO:0009282, OMIM 231680.

Allele frequency attached by ClinVar (database versions not stated): gnomAD exomes below 0.00001.

Submission:

Labcorp Genetics (formerly Invitae), Labcorp
Classification: Likely pathogenic for Multiple acyl-CoA dehydrogenase deficiency. Last evaluated: 2023-05-23. Review status: criteria provided, single submitter. Criteria: Invitae Variant Classification Sherloc (09022015). Collection method: clinical testing. Allele origin: germline.
Comment: In summary, the currently available evidence indicates that the variant is pathogenic, but additional data are needed to prove that conclusively. Therefore, this variant has been classified as Likely Pathogenic. This variant disrupts the p.His588 amino acid residue in ETFDH. Other variant(s) that disrupt this residue have been determined to be pathogenic (Invitae). This suggests that this residue is clinically significant, and that variants that disrupt this residue are likely to be disease-causing. Advanced modeling of protein sequence and biophysical properties (such as structural, functional, and spatial information, amino acid conservation, physicochemical variation, residue mobility, and thermodynamic stability) performed at Invitae indicates that this missense variant is expected to disrupt ETFDH protein function. ClinVar contains an entry for this variant (Variation ID: 1491828). This variant has not been reported in the literature in individuals affected with ETFDH-related conditions. This variant is present in population databases (no rsID available, gnomAD no frequency). This sequence change replaces histidine, which is basic and polar, with tyrosine, which is neutral and polar, at codon 588 of the ETFDH protein (p.His588Tyr).